The following is an entry in ClinVar:

NM_001170700.3(DTHD1):c.1285G>C (p.Glu429Gln)

Gene: DTHD1 (death domain containing 1; plus strand). Cytogenetic location: 4p14.
Variant type: single nucleotide variant.
Coding change: c.1285G>C on transcript NM_001170700.3 (MANE Select); coding-DNA position 1285, G replaced by C.
Protein change: p.Glu429Gln; replaces glutamic acid 429 with glutamine.
Molecular consequence: missense variant. On other transcripts: non-coding transcript variant (1).
Genome position (GRCh38, 1-based): chr4:36,293,592, G>C. VCF-style: chr4-36293592-G-C. GRCh37 (hg19) VCF-style: chr4-36295214-G-C.
Other names: c.415G>C, p.Glu139Gln (NM_001136536.5); c.352G>C, p.Glu118Gln (NM_001378435.1); short protein forms E139Q, E118Q, E429Q.
Identifiers: ClinVar variation 969181 (VCV000969181.9), dbSNP rs1756211211, ClinGen allele CA356679465.

ClinVar aggregate classification (germline): Uncertain significance (1 of 4 stars; one submission).

Submission:

Labcorp Genetics (formerly Invitae), Labcorp
Classification: Uncertain significance. Last evaluated: 2025-07-07. Review status: criteria provided, single submitter. Criteria: Invitae Variant Classification Sherloc (09022015). Collection method: clinical testing. Allele origin: germline.
Comment: This sequence change replaces glutamic acid, which is acidic and polar, with glutamine, which is neutral and polar, at codon 139 of the DTHD1 protein (p.Glu139Gln). This variant is not present in population databases (gnomAD no frequency). This variant has not been reported in the literature in individuals affected with DTHD1-related conditions. ClinVar contains an entry for this variant (Variation ID: 969181). An algorithm developed to predict the effect of missense changes on protein structure and function outputs the following: PolyPhen-2: "Benign". The glutamine amino acid residue is found in multiple mammalian species, which suggests that this missense change does not adversely affect protein function. In summary, the available evidence is currently insufficient to determine the role of this variant in disease. Therefore, it has been classified as a Variant of Uncertain Significance.